The following is an entry in ClinVar:

ClinVar aggregate classification (germline): Likely benign. Review status: criteria provided, multiple submitters, no conflicts (2 of 4 stars). 2 submissions from 2 submitters: Likely benign (2). Last evaluated 2025-07-16.

Conditions:
DST-related disorder. Also called: DST-related condition; DST-related disorders.
Epidermolysis bullosa simplex 3, localized or generalized intermediate, with BP230 deficiency (EBS3). Also called: Epidermolysis bullosa simplex, autosomal recessive 2; Epidermolysis bullosa simplex due to BP230 deficiency. Identifiers: Orphanet 412181, MedGen C3809470, MONDO:0014180, OMIM 615425.
Hereditary sensory and autonomic neuropathy type 6. Also called: Neuropathy, hereditary sensory and autonomic, type VI; HSAN VI. Identifiers: Orphanet 314381, MedGen C3539003, MONDO:0013839, OMIM 614653.

Allele frequency attached by ClinVar (database versions not stated): ExAC 0.00002; gnomAD exomes 0.00002; gnomAD 0.00003 and 0.00004; TOPMed 0.00003; ESP Exome Variant Server 0.00008.
gnomAD v4.1: 45 of 1,612,728 alleles (0.0028%); highest among the groups gnomAD compares: African/African-American, 0.0067%; no homozygotes.

Submissions (2):

PreventionGenetics, part of Exact Sciences
Classification: Likely benign for DST-related condition. Last evaluated: 2025-07-16. Review status: criteria provided, single submitter. Criteria: ACMG Guidelines, 2015. Collection method: clinical testing. Allele origin: germline.
Comment: This variant is classified as likely benign based on ACMG/AMP sequence variant interpretation guidelines (Richards et al. 2015 PMID: 25741868, with internal and published modifications).

Labcorp Genetics (formerly Invitae), Labcorp
Classification: Likely benign for Epidermolysis bullosa simplex 3, localized or generalized intermediate, with BP230 deficiency; Hereditary sensory and autonomic neuropathy type 6. Last evaluated: 2024-09-09. Review status: criteria provided, single submitter. Criteria: Invitae Variant Classification Sherloc (09022015). Collection method: clinical testing. Allele origin: germline.

NM_001374736.1(DST):c.18324C>T (p.Thr6108=)

Gene: DST (dystonin; minus strand). Cytogenetic location: 6p12.1.
Variant type: single nucleotide variant.
Coding change: c.18324C>T on transcript NM_001374736.1 (MANE Select); coding-DNA position 18324, C replaced by T.
Protein change: p.Thr6108=; no amino-acid change (threonine 6108 retained).
Molecular consequence: synonymous variant.
Genome position (GRCh38, 1-based): chr6:56,517,231, G>A on the plus strand (C>T on the coding strand, the complement: DST is on the minus strand). VCF-style: chr6-56517231-G-A. GRCh37 (hg19) VCF-style: chr6-56382029-G-A.
Other names: c.11967C>T (NM_001144769.2); c.11967C>T, p.Thr3989= (NM_001144769.5); c.11553C>T, p.Thr3851= (NM_001144770.2); c.18324C>T, p.Thr6108= (NM_001374722.1); c.17364C>T, p.Thr5788= (NM_001374729.1); c.11106C>T, p.Thr3702= (NM_001374730.1); c.18351C>T, p.Thr6117= (NM_001374734.1); c.11433C>T, p.Thr3811= (NM_001386100.1, NM_183380.4); and 1 more.
Identifiers: ClinVar variation 1119407 (VCV001119407.10), dbSNP rs367584614, ClinGen allele CA3867235.